The following is an entry in ClinVar:

ClinVar aggregate classification (germline): Uncertain significance. Review status: criteria provided, multiple submitters, no conflicts (2 of 4 stars). 2 submissions from 2 submitters: Uncertain significance (2). Last evaluated 2022-11-18.

Allele frequency attached by ClinVar (database versions not stated): gnomAD exomes 0.00001; TOPMed 0.00002.
gnomAD v4.1: 6 of 1,542,322 alleles (0.00039%); highest among the groups gnomAD compares: Admixed American, 0.0059%; no homozygotes.

Submissions (2):

Mayo Clinic Laboratories, Mayo Clinic
Classification: Uncertain significance. Last evaluated: 2022-11-18. Review status: criteria provided, single submitter. Criteria: ACMG Guidelines, 2015. Collection method: clinical testing. Allele origin: germline. Observed: 1 variant allele.
Comment: BP4, PM2

Blueprint Genetics
Classification: Uncertain significance. Last evaluated: 2021-12-17. Review status: criteria provided, single submitter. Criteria: ACMG Guidelines, 2015. Collection method: clinical testing. Allele origin: germline.

NM_006563.5(KLF1):c.443T>G (p.Phe148Cys)

Genes: KLF1 (KLF transcription factor 1; minus strand), LOC130063673 (ATAC-STARR-seq lymphoblastoid silent region 10180; plus strand). Cytogenetic location: 19p13.13.
Variant type: single nucleotide variant.
Coding change: c.443T>G on transcript NM_006563.5 (MANE Select); coding-DNA position 443, T replaced by G.
Protein change: p.Phe148Cys; replaces phenylalanine 148 with cysteine.
Molecular consequence: missense variant.
Genome position (GRCh38, 1-based): chr19:12,885,787, A>C on the plus strand (T>G on the coding strand, the complement: KLF1 is on the minus strand). VCF-style: chr19-12885787-A-C. GRCh37 (hg19) VCF-style: chr19-12996601-A-C.
Other names: p.Phe148Cys; short protein forms F148C.
Identifiers: ClinVar variation 2683480 (VCV002683480.2), dbSNP rs887902700, ClinGen allele CA305499557.